The following is an entry in ClinVar:

ClinVar aggregate classification (germline): Uncertain significance (1 of 4 stars; one submission).

Allele frequency attached by ClinVar (database versions not stated): gnomAD exomes below 0.00001 and 0.00001; gnomAD 0.00001; TOPMed 0.00001.
gnomAD v4.1: 10 of 1,610,578 alleles (0.00062%); highest among the groups gnomAD compares: East Asian, 0.0022%; no homozygotes.

Submission:

GeneDx
Classification: Uncertain significance. Last evaluated: 2019-12-11. Review status: criteria provided, single submitter. Criteria: GeneDx Variant Classification Process June 2021. Collection method: clinical testing. Allele origin: germline. Affected: yes.
Comment: Not observed at a significant frequency in large population cohorts (Lek et al., 2016); In silico analysis, which includes protein predictors and evolutionary conservation, supports a deleterious effect; Has not been previously published as pathogenic or benign to our knowledge

NM_031418.4(ANO3):c.610G>A (p.Asp204Asn)

Gene: ANO3 (anoctamin 3; plus strand). Cytogenetic location: 11p14.2.
Variant type: single nucleotide variant.
Coding change: c.610G>A on transcript NM_031418.4 (MANE Select); coding-DNA position 610, G replaced by A.
Protein change: p.Asp204Asn; replaces aspartic acid 204 with asparagine.
Molecular consequence: missense variant.
Genome position (GRCh38, 1-based): chr11:26,516,845, G>A. VCF-style: chr11-26516845-G-A. GRCh37 (hg19) VCF-style: chr11-26538392-G-A.
Other names: c.793G>A, p.Asp265Asn (NM_001313726.2); c.172G>A, p.Asp58Asn (NM_001313727.2); short protein forms D204N, D265N, D58N.
Identifiers: ClinVar variation 1310680 (VCV001310680.2), dbSNP rs1316389828, ClinGen allele CA379929052.